The following is an entry in ClinVar:

ClinVar aggregate classification (germline): Uncertain significance. Review status: criteria provided, multiple submitters, no conflicts (2 of 4 stars). 3 submissions from 3 submitters: Uncertain significance (3). Last evaluated 2026-02-05.

Conditions:
Inborn genetic diseases. Identifiers: MedGen C0950123, MeSH D030342.

Allele frequency attached by ClinVar (database versions not stated): gnomAD exomes below 0.00001; ExAC 0.00002; gnomAD 0.00005; TOPMed 0.00006; ESP Exome Variant Server 0.00009.
gnomAD v4.1: 13 of 1,613,310 alleles (0.00081%); highest among the groups gnomAD compares: African/African-American, 0.016%; no homozygotes.

Submissions (3):

Women's Health and Genetics/Laboratory Corporation of America, LabCorp
Classification: Uncertain significance. Last evaluated: 2026-02-05. Review status: criteria provided, single submitter. Criteria: LabCorp Variant Classification Summary - May 2015. Collection method: clinical testing. Allele origin: germline.
Comment: Variant summary: RTTN c.1608C>A (p.Asn536Lys) results in a non-conservative amino acid change in the encoded protein sequence. Algorithms developed to predict the effect of missense changes on protein structure and function are either unavailable or do not agree on the potential impact of this missense change. The variant allele was found at a frequency of 1.6e-05 in 249318 control chromosomes. The available data on variant occurrences in the general population are insufficient to allow any conclusion about variant significance. To our knowledge, no occurrence of c.1608C>A in individuals affected with RTTN-related conditions and no experimental evidence demonstrating its impact on protein function have been reported. ClinVar contains an entry for this variant (Variation ID: 2416581). Based on the evidence outlined above, the variant was classified as uncertain significance.

Ambry Genetics
Classification: Uncertain significance for Inborn genetic diseases. Last evaluated: 2025-12-31. Review status: criteria provided, single submitter. Criteria: Ambry Variant Classification Scheme 2023. Collection method: clinical testing. Allele origin: germline.
Comment: The c.1608C>A (p.N536K) alteration is located in exon 12 (coding exon 12) of the RTTN gene. This alteration results from a C to A substitution at nucleotide position 1608, causing the asparagine (N) at amino acid position 536 to be replaced by a lysine (K). Based on data from gnomAD, the A allele has an overall frequency of 0.002% (5/280698) total alleles studied. The highest observed frequency was 0.021% (5/24194) of African alleles. Based on insufficient or conflicting evidence, the clinical significance of this alteration remains unclear.

Labcorp Genetics (formerly Invitae), Labcorp
Classification: Uncertain significance. Last evaluated: 2024-06-04. Review status: criteria provided, single submitter. Criteria: Invitae Variant Classification Sherloc (09022015). Collection method: clinical testing. Allele origin: germline.
Comment: This sequence change replaces asparagine, which is neutral and polar, with lysine, which is basic and polar, at codon 536 of the RTTN protein (p.Asn536Lys). This variant is present in population databases (rs368650190, gnomAD 0.02%). This variant has not been reported in the literature in individuals affected with RTTN-related conditions. ClinVar contains an entry for this variant (Variation ID: 2416581). Advanced modeling of protein sequence and biophysical properties (such as structural, functional, and spatial information, amino acid conservation, physicochemical variation, residue mobility, and thermodynamic stability) performed at Invitae indicates that this missense variant is not expected to disrupt RTTN protein function with a negative predictive value of 80%. In summary, the available evidence is currently insufficient to determine the role of this variant in disease. Therefore, it has been classified as a Variant of Uncertain Significance.

NM_173630.4(RTTN):c.1608C>A (p.Asn536Lys)

Gene: RTTN (rotatin; minus strand). Cytogenetic location: 18q22.2.
Variant type: single nucleotide variant.
Coding change: c.1608C>A on transcript NM_173630.4 (MANE Select); coding-DNA position 1608, C replaced by A.
Protein change: p.Asn536Lys; replaces asparagine 536 with lysine.
Molecular consequence: missense variant. On other transcripts: 5 prime UTR variant (1).
Genome position (GRCh38, 1-based): chr18:70,168,936, G>T on the plus strand (C>A on the coding strand, the complement: RTTN is on the minus strand). VCF-style: chr18-70168936-G-T. GRCh37 (hg19) VCF-style: chr18-67836172-G-T.
Other names: c.-1040C>A (NM_001318520.2); c.1608C>A (NM_173630.3); short protein forms N536K.
Identifiers: ClinVar variation 2416581 (VCV002416581.8), dbSNP rs368650190, ClinGen allele CA8996138.